The following is an entry in ClinVar:

NM_152381.6(XIRP2):c.9449A>G (p.Tyr3150Cys)

Gene: XIRP2 (xin actin binding repeat containing 2; plus strand). Cytogenetic location: 2q24.3.
Variant type: single nucleotide variant.
Coding change: c.9449A>G on transcript NM_152381.6 (MANE Select); coding-DNA position 9449, A replaced by G.
Protein change: p.Tyr3150Cys; replaces tyrosine 3150 with cysteine.
Molecular consequence: missense variant. On other transcripts: intron variant (3).
Genome position (GRCh38, 1-based): chr2:167,250,841, A>G. VCF-style: chr2-167250841-A-G. GRCh37 (hg19) VCF-style: chr2-168107351-A-G.
Other names: c.8783A>G, p.Tyr2928Cys (NM_001199144.2); c.1276-3191A>G (NM_001199143.2); c.1177-3191A>G (NM_001079810.4); c.511-3191A>G (NM_001199145.2); c.9449A>G (NM_152381.5); short protein forms Y2928C, Y3150C.
Identifiers: ClinVar variation 724599 (VCV000724599.7), dbSNP rs3749003, ClinGen allele CA1948025.

ClinVar aggregate classification (germline): Benign. Review status: criteria provided, multiple submitters, no conflicts (2 of 4 stars). 3 submissions from 3 submitters: Benign (2). 1 of the submissions does not count toward it. Last evaluated 2019-12-31.

Conditions:
XIRP2-related disorder. Also called: XIRP2-related condition.

Allele frequency attached by ClinVar (database versions not stated): ESP Exome Variant Server 0.00008; gnomAD 0.00198 and 0.00327; TOPMed 0.00315; gnomAD exomes 0.00335 and 0.00602; ExAC 0.00600; 1000 Genomes Project 30x 0.01655; 1000 Genomes Project 0.01777.
gnomAD v4.1: 5,351 of 1,613,560 alleles (0.33%); highest among the groups gnomAD compares: East Asian, 9%; 218 homozygotes.

Submissions (3):

Labcorp Genetics (formerly Invitae), Labcorp
Classification: Benign. Last evaluated: 2019-12-31. Review status: criteria provided, single submitter. Criteria: Invitae Variant Classification Sherloc (09022015). Collection method: clinical testing. Allele origin: germline.

Breakthrough Genomics
Classification: Benign. Review status: criteria provided, single submitter. Criteria: ACMG Guidelines, 2015. Collection method: not provided. Allele origin: germline. Inheritance: Unknown mechanism. Affected: yes.

PreventionGenetics, part of Exact Sciences
Classification: Benign for XIRP2-related condition. Last evaluated: 2019-03-27. Review status: no assertion criteria provided. Collection method: clinical testing. Allele origin: germline. Not counted in ClinVar's aggregate classification.
Comment: This variant is classified as benign based on ACMG/AMP sequence variant interpretation guidelines (Richards et al. 2015 PMID: 25741868, with internal and published modifications).